The following is an entry in ClinVar:

ClinVar aggregate classification (germline): Uncertain significance (1 of 4 stars; one submission).

Conditions:
Charcot-Marie-Tooth disease type 4. Also called: Charcot-Marie-Tooth disease, type IV; Charcot-Marie-Tooth, Type 4. Identifiers: Orphanet 64749, MedGen C4082197, MONDO:0018995.

Allele frequency attached by ClinVar (database versions not stated): gnomAD exomes below 0.00001.
gnomAD v4.1: 2 of 1,613,886 alleles (0.00012%); highest among the groups gnomAD compares: Non-Finnish European, 0.00017%; no homozygotes.

Submission:

Labcorp Genetics (formerly Invitae), Labcorp
Classification: Uncertain significance for Charcot-Marie-Tooth disease type 4. Last evaluated: 2022-07-12. Review status: criteria provided, single submitter. Criteria: Invitae Variant Classification Sherloc (09022015). Collection method: clinical testing. Allele origin: germline.
Comment: In summary, the available evidence is currently insufficient to determine the role of this variant in disease. Therefore, it has been classified as a Variant of Uncertain Significance. Algorithms developed to predict the effect of sequence changes on RNA splicing suggest that this variant may create or strengthen a splice site. Advanced modeling of protein sequence and biophysical properties (such as structural, functional, and spatial information, amino acid conservation, physicochemical variation, residue mobility, and thermodynamic stability) performed at Invitae indicates that this missense variant is expected to disrupt MTMR2 protein function. ClinVar contains an entry for this variant (Variation ID: 1063813). This variant has not been reported in the literature in individuals affected with MTMR2-related conditions. This variant is not present in population databases (gnomAD no frequency). This sequence change replaces arginine, which is basic and polar, with glutamine, which is neutral and polar, at codon 322 of the MTMR2 protein (p.Arg322Gln).

NM_016156.6(MTMR2):c.965G>A (p.Arg322Gln)

Gene: MTMR2 (myotubularin related protein 2; minus strand). Cytogenetic location: 11q21.
Variant type: single nucleotide variant.
Coding change: c.965G>A on transcript NM_016156.6 (MANE Select); coding-DNA position 965, G replaced by A.
Protein change: p.Arg322Gln; replaces arginine 322 with glutamine.
Molecular consequence: missense variant.
Genome position (GRCh38, 1-based): chr11:95,849,702, C>T on the plus strand (G>A on the coding strand, the complement: MTMR2 is on the minus strand). VCF-style: chr11-95849702-C-T. GRCh37 (hg19) VCF-style: chr11-95582866-C-T.
Other names: c.749G>A, p.Arg250Gln (NM_001243571.2, NM_201278.3, NM_201281.3); short protein forms R250Q, R322Q.
Identifiers: ClinVar variation 1063813 (VCV001063813.7), dbSNP rs2135439249, ClinGen allele CA382425259.